The following is an entry in ClinVar:

NM_001159699.2(FHL1):c.535G>A (p.Val179Met)

Gene: FHL1 (four and a half LIM domains 1; plus strand). Cytogenetic location: Xq26.3.
Variant type: single nucleotide variant.
Coding change: c.535G>A on transcript NM_001159699.2 (MANE Select); coding-DNA position 535, G replaced by A.
Protein change: p.Val179Met; replaces valine 179 with methionine.
Molecular consequence: missense variant. On other transcripts: non-coding transcript variant (1).
Genome position (GRCh38, 1-based): chrX:136,207,947, G>A. VCF-style: chrX-136207947-G-A. GRCh37 (hg19) VCF-style: chrX-135290106-G-A.
Other names: c.487G>A, p.Val163Met (NM_001159700.2, NM_001159702.3, NM_001159703.2 and 9 more transcripts); c.574G>A, p.Val192Met (NM_001159701.2); c.535G>A, p.Val179Met (NM_001330659.2); c.487G>A (NM_001159702.2); short protein forms V179M, V163M, V192M.
Identifiers: ClinVar variation 1743774 (VCV001743774.7), dbSNP rs779919392, ClinGen allele CA10525024.

ClinVar aggregate classification (germline): Uncertain significance. Review status: criteria provided, multiple submitters, no conflicts (2 of 4 stars). 4 submissions from 4 submitters: Uncertain significance (4). Last evaluated 2026-01-29.

Conditions:
FHL1-related disorder. Also called: FHL1-related condition; FHL1-related disorders.
Cardiovascular phenotype. Identifiers: MedGen CN230736.
X-linked myopathy with postural muscle atrophy. Also called: FHL1-Related Emery-Dreifuss Muscular Dystrophy, X-Linked. Identifiers: Orphanet 178461, MedGen C2678055, MONDO:0010401, OMIM 300696.

Allele frequency attached by ClinVar (database versions not stated): TOPMed below 0.00001; ExAC 0.00001; gnomAD 0.00001; gnomAD exomes 0.00001.
gnomAD v4.1: 8 of 1,211,201 alleles (0.00066%); highest among the groups gnomAD compares: Non-Finnish European, 0.00089%; no homozygotes.

Submissions (4):

PreventionGenetics, part of Exact Sciences
Classification: Uncertain significance for FHL1-related condition. Last evaluated: 2026-01-29. Review status: criteria provided, single submitter. Criteria: ACMG Guidelines, 2015. Collection method: clinical testing. Allele origin: germline.
Comment: The FHL1 c.487G>A variant is predicted to result in the amino acid substitution p.Val163Met. To our knowledge, this variant has not been reported in the literature. This variant is reported in 0.0012% of alleles in individuals of European (Non-Finnish) descent in gnomAD. At this time, the clinical significance of this variant is uncertain due to the absence of conclusive functional and genetic evidence.

Labcorp Genetics (formerly Invitae), Labcorp
Classification: Uncertain significance for X-linked myopathy with postural muscle atrophy. Last evaluated: 2025-03-05. Review status: criteria provided, single submitter. Criteria: Invitae Variant Classification Sherloc (09022015). Collection method: clinical testing. Allele origin: germline.
Comment: This sequence change replaces valine, which is neutral and non-polar, with methionine, which is neutral and non-polar, at codon 163 of the FHL1 protein (p.Val163Met). This variant is present in population databases (rs779919392, gnomAD 0.001%). This variant has not been reported in the literature in individuals affected with FHL1-related conditions. ClinVar contains an entry for this variant (Variation ID: 1743774). An algorithm developed to predict the effect of missense changes on protein structure and function (PolyPhen-2) suggests that this variant is likely to be tolerated. In summary, the available evidence is currently insufficient to determine the role of this variant in disease. Therefore, it has been classified as a Variant of Uncertain Significance.

Revvity Omics, Revvity
Classification: Uncertain significance. Last evaluated: 2023-05-18. Review status: criteria provided, single submitter. Criteria: ACMG Guidelines, 2015. Collection method: clinical testing. Allele origin: germline.

Ambry Genetics
Classification: Uncertain significance for Cardiovascular phenotype. Last evaluated: 2020-03-20. Review status: criteria provided, single submitter. Criteria: Ambry Variant Classification Scheme 2023. Collection method: clinical testing. Allele origin: germline.
Comment: The p.V163M variant (also known as c.487G>A), located in coding exon 3 of the FHL1 gene, results from a G to A substitution at nucleotide position 487. The valine at codon 163 is replaced by methionine, an amino acid with highly similar properties. This amino acid position is not well conserved in available vertebrate species. In addition, the in silico prediction for this alteration is inconclusive. Since supporting evidence is limited at this time, the clinical significance of this alteration remains unclear.